The following is an entry in ClinVar:

NM_003482.4(KMT2D):c.4401C>G (p.Gly1467=)

Gene: KMT2D (lysine methyltransferase 2D; minus strand). Cytogenetic location: 12q13.12.
Variant type: single nucleotide variant.
Coding change: c.4401C>G on transcript NM_003482.4 (MANE Select); coding-DNA position 4401, C replaced by G.
Protein change: p.Gly1467=; no amino-acid change (glycine 1467 retained).
Molecular consequence: synonymous variant.
Genome position (GRCh38, 1-based): chr12:49,046,626, G>C on the plus strand (C>G on the coding strand, the complement: KMT2D is on the minus strand). VCF-style: chr12-49046626-G-C. GRCh37 (hg19) VCF-style: chr12-49440409-G-C.
Identifiers: ClinVar variation 5002494 (VCV005002494.1).

ClinVar aggregate classification (germline): Uncertain significance (1 of 4 stars; one submission).

Conditions:
KMT2D-related disorder. Also called: KMT2D-Related Disorders.

Submission:

PreventionGenetics, part of Exact Sciences
Classification: Uncertain significance for KMT2D-related condition. Last evaluated: 2026-09-03. Review status: criteria provided, single submitter. Criteria: ACMG Guidelines, 2015. Collection method: clinical testing. Allele origin: germline.
Comment: The KMT2D c.4401C>G variant is not predicted to result in an amino acid change (p.=). This variant is predicted to alter splicing based on one splicing algorithm (SpliceAI, Jaganathan et al. 2019. PubMed ID: 30661751). To our knowledge, this variant has not been reported in the literature or in a large population database (gnomAD), indicating this variant is rare. At this time, the clinical significance of this variant is uncertain due to the absence of conclusive functional and genetic evidence.